The following is an entry in ClinVar:

ClinVar aggregate classification (germline): Uncertain significance. Review status: criteria provided, multiple submitters, no conflicts (2 of 4 stars). 2 submissions from 2 submitters: Uncertain significance (2). Last evaluated 2023-06-20.

Conditions:
RYR1-related disorder. Also called: RYR1-related condition; RYR1-related disorders. Identifiers: MedGen CN239331.

Submissions (2):

Labcorp Genetics (formerly Invitae), Labcorp
Classification: Uncertain significance for RYR1-related disorder. Last evaluated: 2023-06-20. Review status: criteria provided, single submitter. Criteria: Invitae Variant Classification Sherloc (09022015). Collection method: clinical testing. Allele origin: germline.
Comment: ClinVar contains an entry for this variant (Variation ID: 1802016). In summary, the available evidence is currently insufficient to determine the role of this variant in disease. Therefore, it has been classified as a Variant of Uncertain Significance. Advanced modeling of protein sequence and biophysical properties (such as structural, functional, and spatial information, amino acid conservation, physicochemical variation, residue mobility, and thermodynamic stability) performed at Invitae indicates that this missense variant is expected to disrupt RYR1 protein function. This variant has not been reported in the literature in individuals affected with RYR1-related conditions. This variant is not present in population databases (gnomAD no frequency). This sequence change replaces isoleucine, which is neutral and non-polar, with threonine, which is neutral and polar, at codon 2443 of the RYR1 protein (p.Ile2443Thr).

GeneDx
Classification: Uncertain significance. Last evaluated: 2022-05-31. Review status: criteria provided, single submitter. Criteria: GeneDx Variant Classification Process June 2021. Collection method: clinical testing. Allele origin: germline. Affected: yes.
Comment: Not observed at significant frequency in large population cohorts (gnomAD); In silico analysis supports that this missense variant has a deleterious effect on protein structure/function; Has not been previously published as pathogenic or benign to our knowledge; This variant is associated with the following publications: (PMID: 12668474)

NM_000540.3(RYR1):c.7328T>C (p.Ile2443Thr)

Gene: RYR1 (ryanodine receptor 1; plus strand). Cytogenetic location: 19q13.2.
Variant type: single nucleotide variant.
Coding change: c.7328T>C on transcript NM_000540.3 (MANE Select); coding-DNA position 7328, T replaced by C.
Protein change: p.Ile2443Thr; replaces isoleucine 2443 with threonine.
Molecular consequence: missense variant.
Genome position (GRCh38, 1-based): chr19:38,500,610, T>C. VCF-style: chr19-38500610-T-C. GRCh37 (hg19) VCF-style: chr19-38991250-T-C.
Other names: c.7328T>C, p.Ile2443Thr (NM_001042723.2); short protein forms I2443T.
Identifiers: ClinVar variation 1802016 (VCV001802016.4), dbSNP rs2514319438, ClinGen allele CA405669819.